The following is an entry in ClinVar:

NM_007325.5(GRIA3):c.1210A>G (p.Arg404Gly)

Gene: GRIA3 (glutamate ionotropic receptor AMPA type subunit 3; plus strand). Cytogenetic location: Xq25.
Variant type: single nucleotide variant.
Coding change: c.1210A>G on transcript NM_007325.5 (MANE Select); coding-DNA position 1210, A replaced by G.
Protein change: p.Arg404Gly; replaces arginine 404 with glycine.
Molecular consequence: missense variant.
Genome position (GRCh38, 1-based): chrX:123,403,436, A>G. VCF-style: chrX-123403436-A-G. GRCh37 (hg19) VCF-style: chrX-122537287-A-G.
Other names: c.1210A>G, p.Arg404Gly (NM_000828.5); short protein forms R404G.
Identifiers: ClinVar variation 2746319 (VCV002746319.3), dbSNP rs747435039, ClinGen allele CA10507036.

ClinVar aggregate classification (germline): Uncertain significance (1 of 4 stars; one submission).

Allele frequency attached by ClinVar (database versions not stated): ExAC 0.00001; gnomAD 0.00001; gnomAD exomes 0.00001.
gnomAD v4.1: 7 of 1,188,850 alleles (0.00059%); highest among the groups gnomAD compares: East Asian, 0.021%; no homozygotes.

Submission:

Labcorp Genetics (formerly Invitae), Labcorp
Classification: Uncertain significance. Last evaluated: 2023-08-02. Review status: criteria provided, single submitter. Criteria: Invitae Variant Classification Sherloc (09022015). Collection method: clinical testing. Allele origin: germline.
Comment: In summary, the available evidence is currently insufficient to determine the role of this variant in disease. Therefore, it has been classified as a Variant of Uncertain Significance. Advanced modeling of protein sequence and biophysical properties (such as structural, functional, and spatial information, amino acid conservation, physicochemical variation, residue mobility, and thermodynamic stability) performed at Invitae indicates that this missense variant is not expected to disrupt GRIA3 protein function. This variant has not been reported in the literature in individuals affected with GRIA3-related conditions. This variant is present in population databases (rs747435039, gnomAD 0.03%). This sequence change replaces arginine, which is basic and polar, with glycine, which is neutral and non-polar, at codon 404 of the GRIA3 protein (p.Arg404Gly).